The following is an entry in ClinVar:

ClinVar aggregate classification (germline): Conflicting classifications of pathogenicity. Review status: criteria provided, conflicting classifications (1 of 4 stars). 8 submissions from 8 submitters: Likely pathogenic (2); Uncertain significance (3). 3 of the submissions do not count toward it. Last evaluated 2025-03-10.

Conditions:
Long QT syndrome 8. Identifiers: MedGen CN260585, MONDO:0032756, OMIM 618447.
Timothy syndrome (TS). Also called: LONG QT SYNDROME WITH SYNDACTYLY. Identifiers: Orphanet 65283, MedGen C1832916, MeSH C536962, MONDO:0010979, OMIM 601005.
Neurodevelopmental disorder with hypotonia, language delay, and skeletal defects with or without seizures (NEDHLSS). Identifiers: MedGen C5774213, MONDO:0859286, OMIM 620029.
Brugada syndrome 3 (BRGDA3). Identifiers: Orphanet 130, MedGen C2678478, MONDO:0012742, OMIM 611875.
Cardiovascular phenotype. Identifiers: MedGen CN230736.
Long QT syndrome (LQTS). Identifiers: MedGen C0023976, MeSH D008133, MONDO:0002442. Disease mechanism: loss of function. Inheritance: Various modes of inheritance.
Wolff-Parkinson-White pattern. Also called: Auriculoventricular accessory pathway syndrome; False bundle branch block syndrome; Anomalous ventricular excitation syndrome; WPW SYNDROME. Identifiers: MedGen C0043202, MONDO:0008685, OMIM 194200, HP:0001716.

Allele frequency attached by ClinVar (database versions not stated): gnomAD 0.00001; gnomAD exomes 0.00001; TOPMed 0.00001; ExAC 0.00002.
gnomAD v4.1: 27 of 1,613,608 alleles (0.0017%); highest among the groups gnomAD compares: Non-Finnish European, 0.002%; no homozygotes.

Submissions (8):

Labcorp Genetics (formerly Invitae), Labcorp
Classification: Uncertain significance for Long QT syndrome. Last evaluated: 2025-03-10. Review status: criteria provided, single submitter. Criteria: Invitae Variant Classification Sherloc (09022015). Collection method: clinical testing. Allele origin: germline.
Comment: This sequence change replaces arginine, which is basic and polar, with glutamine, which is neutral and polar, at codon 860 of the CACNA1C protein (p.Arg860Gln). This variant is present in population databases (rs730880056, gnomAD 0.004%). This missense change has been observed in individuals with clinical features of long QT syndrome (PMID: 28600387, 28616568, 29071820, 31408100; internal data). ClinVar contains an entry for this variant (Variation ID: 190654). Invitae Evidence Modeling of protein sequence and biophysical properties (such as structural, functional, and spatial information, amino acid conservation, physicochemical variation, residue mobility, and thermodynamic stability) has been performed for this missense variant. However, the output from this modeling did not meet the statistical confidence thresholds required to predict the impact of this variant on CACNA1C protein function. This variant disrupts the p.Arg860 amino acid residue in CACNA1C. Other variant(s) that disrupt this residue have been observed in individuals with CACNA1C-related conditions (PMID: 25633834; internal data), which suggests that this may be a clinically significant amino acid residue. In summary, the available evidence is currently insufficient to determine the role of this variant in disease. Therefore, it has been classified as a Variant of Uncertain Significance.

GeneDx
Classification: Uncertain significance. Last evaluated: 2021-03-23. Review status: criteria provided, single submitter. Criteria: GeneDx Variant Classification Process June 2021. Collection method: clinical testing. Allele origin: germline. Affected: yes.
Comment: Not observed at a significant frequency in large population cohorts (Lek et al., 2016); In silico analysis, which includes protein predictors and evolutionary conservation, supports a deleterious effect; This variant is associated with the following publications: (PMID: 28616568, 29071820, 28600387)

Ambry Genetics
Classification: Uncertain significance for Cardiovascular phenotype. Last evaluated: 2020-03-29. Review status: criteria provided, single submitter. Criteria: Ambry Variant Classification Scheme 2023. Collection method: clinical testing. Allele origin: germline.
Comment: The p.R860Q variant (also known as c.2579G>A), located in coding exon 19 of the CACNA1C gene, results from a G to A substitution at nucleotide position 2579. The arginine at codon 860 is replaced by glutamine, an amino acid with highly similar properties. This variant has been reported in long QT syndrome (LQTS) cases; however, in some cases clinical details were limited and/or an additional cardiac variant was also detected (Mellor G et al. Circ Cardiovasc Genet, 2017 Jun;10:[Epub ahead of print]; Boles U et al. Int J Cardiol Heart Vasc, 2017 Jun;15:21-23; Seo SH et al. Ann Lab Med, 2018 Jan;38:54-58). Alternate amino acid substitutions at this codon, p.R860G and p.R860P, have also been associated with LQTS (Mellor GJ et al. Europace, 2019 Nov;21:1725-1732). This amino acid position is highly conserved in available vertebrate species. In addition, this alteration is predicted to be deleterious by in silico analysis. Since supporting evidence is limited at this time, the clinical significance of this alteration remains unclear.

MVZ Martinsried, Medicover Genetics
Classification: Likely pathogenic for Timothy syndrome. Last evaluated: 2019-03-25. Review status: criteria provided, single submitter. Criteria: ACMG Guidelines, 2015. Collection method: clinical testing. Allele origin: unknown. Affected: yes.

Juno Genomics, Hangzhou Juno Genomics, Inc
Classification: Likely pathogenic for Timothy syndrome; Neurodevelopmental disorder with hypotonia, language delay, and skeletal defects with or without seizures; Brugada syndrome 3; Long QT syndrome 8. Review status: criteria provided, single submitter. Criteria: ACMG Guidelines, 2015. Collection method: clinical testing. Allele origin: germline.
Comment: Absent from controls (or at extremely low frequency if recessive) in Genome Aggregation Database.;Missense variant in a gene that has a low rate of benign missense variation.;Multiple lines of computational evidence support a deleterious effect on the gene or gene product.;The prevalence of the variant in affected individuals is significantly increased compared to the prevalence in controls.;Located in a mutational hot spot and/or critical and well-established functional domain without benign variation.;Assumed de novo, but without confirmation of paternity and maternity.

Lupski Lab, Baylor-Hopkins CMG, Baylor College of Medicine
Classification: Uncertain significance for Wolff-Parkinson-White pattern. Last evaluated: 2017-07-14. Review status: no assertion criteria provided. Collection method: research. Allele origin: unknown. Affected: yes. Observed: 1 variant allele. Study: Candidate_variants_in_patients_with_ Wolff-Parkinson-White Syndrome. Not counted in ClinVar's aggregate classification.

Genome Diagnostics Laboratory, University Medical Center Utrecht
Classification: Likely pathogenic. Review status: no assertion criteria provided. Collection method: clinical testing. Allele origin: germline. Affected: yes. Study: VKGL Data-share Consensus. Not counted in ClinVar's aggregate classification.

Joint Genome Diagnostic Labs from Nijmegen and Maastricht, Radboudumc and MUMC+
Classification: Likely pathogenic. Review status: no assertion criteria provided. Collection method: clinical testing. Allele origin: germline. Affected: yes. Study: VKGL Data-share Consensus. Not counted in ClinVar's aggregate classification.

Literature cited by the submitters: PubMed 28600387 (cited by Labcorp Genetics (formerly Invitae), Labcorp and Ambry Genetics); PubMed 28616568 (cited by Labcorp Genetics (formerly Invitae), Labcorp and Ambry Genetics); PubMed 29071820 (cited by Labcorp Genetics (formerly Invitae), Labcorp and Ambry Genetics); PubMed 31408100 (cited by Labcorp Genetics (formerly Invitae), Labcorp and Ambry Genetics); PubMed 25633834 (cited by Labcorp Genetics (formerly Invitae), Labcorp).

NM_000719.7(CACNA1C):c.2579G>A (p.Arg860Gln)

Gene: CACNA1C (calcium voltage-gated channel subunit alpha1 C; plus strand). Cytogenetic location: 12p13.33.
Variant type: single nucleotide variant.
Coding change: c.2579G>A on transcript NM_000719.7 (MANE Select); coding-DNA position 2579, G replaced by A.
Protein change: p.Arg860Gln; replaces arginine 860 with glutamine.
Molecular consequence: missense variant.
Genome position (GRCh38, 1-based): chr12:2,593,261, G>A. VCF-style: chr12-2593261-G-A. GRCh37 (hg19) VCF-style: chr12-2702427-G-A.
Other names: c.2579G>A, p.Arg860Gln (NM_001129839.2, NM_001129840.2, NM_001129841.2 and 18 more transcripts); c.2570G>A, p.Arg857Gln (NM_001129844.2); short protein forms R860Q, R857Q.
Identifiers: ClinVar variation 190654 (VCV000190654.18), dbSNP rs730880056, ClinGen allele CA301404.